The following is an entry in ClinVar:

ClinVar aggregate classification (germline): Uncertain significance. Review status: criteria provided, multiple submitters, no conflicts (2 of 4 stars). 2 submissions from 2 submitters: Uncertain significance (2). Last evaluated 2026-04-27.

Conditions:
Hereditary nonpolyposis colorectal neoplasms. Identifiers: MedGen C0009405, MeSH D003123.
Hereditary cancer-predisposing syndrome. Also called: Tumor predisposition; Neoplastic Syndromes, Hereditary; Hereditary Cancer Syndrome; Hereditary neoplastic syndrome. Identifiers: Orphanet 140162, MedGen C0027672, MeSH D009386, MONDO:0015356.

Submissions (2):

Ambry Genetics
Classification: Uncertain significance for Hereditary cancer-predisposing syndrome. Last evaluated: 2026-04-27. Review status: criteria provided, single submitter. Criteria: Ambry Variant Classification Scheme 2023. Collection method: clinical testing. Allele origin: germline.
Comment: The c.3767_3769delATT variant (also known as p.Y1256del) is located in coding exon 8 of the MSH6 gene. This variant results from an in-frame ATT deletion at nucleotide positions 3767 to 3769. This results in the in-frame deletion of a tyrosine at codon 1256. This amino acid position is well conserved in available vertebrate species. In addition, this variant is predicted to be deleterious by in silico analysis (Choi Y et al. PLoS ONE. 2012; 7(10):e46688). Based on the available evidence, the clinical significance of this variant remains unclear.

Labcorp Genetics (formerly Invitae), Labcorp
Classification: Uncertain significance for Hereditary nonpolyposis colorectal neoplasms. Last evaluated: 2021-08-28. Review status: criteria provided, single submitter. Criteria: Invitae Variant Classification Sherloc (09022015). Collection method: clinical testing. Allele origin: germline.
Comment: In summary, the available evidence is currently insufficient to determine the role of this variant in disease. Therefore, it has been classified as a Variant of Uncertain Significance. Experimental studies and prediction algorithms are not available or were not evaluated, and the functional significance of this variant is currently unknown. This variant has not been reported in the literature in individuals affected with MSH6-related conditions. This variant is not present in population databases (ExAC no frequency). This variant, c.3767_3769del, results in the deletion of 1 amino acid(s) of the MSH6 protein (p.Tyr1256del), but otherwise preserves the integrity of the reading frame.

NM_000179.3(MSH6):c.3764ATT[1] (p.Tyr1256del)

Gene: MSH6 (mutS homolog 6; plus strand). Cytogenetic location: 2p16.3.
Variant type: Microsatellite.
Coding change: c.3764ATT[1] on transcript NM_000179.3 (MANE Select); one copy of the 3-base unit ATT starting at c.3764; the reference has two copies in a row; one copy, 3 bases deleted.
Protein change: p.Tyr1256del; deletes tyrosine 1256.
Molecular consequence: inframe deletion.
Genome position (GRCh38, 1-based): chr2:47,806,324-47,806,326, ATT deleted; deleting any 3 consecutive bases within chr2:47,806,321-47,806,326 gives the same sequence; the position shown is the placement nearest the transcript's 3' end. VCF-style (leftmost placement, unchanged base first): chr2-47806320-GATT-G. GRCh37 (hg19) VCF-style: chr2-48033459-GATT-G.
Other names: c.3374ATT[1], p.Tyr1126del (NM_001281492.2); c.2858ATT[1], p.Tyr954del (NM_001281493.2, NM_001281494.2); c.3767_3769delATT (NM_000179.2); short protein forms Y1126del, Y1256del, Y954del.
Identifiers: ClinVar variation 1476185 (VCV001476185.7), dbSNP rs2104544843, ClinGen allele CA2580611313.